The following is an entry in ClinVar:

NM_003036.4(SKI):c.1972C>T (p.Arg658Cys)

Gene: SKI (SKI proto-oncogene; plus strand). Cytogenetic location: 1p36.32.
Variant type: single nucleotide variant.
Coding change: c.1972C>T on transcript NM_003036.4 (MANE Select); coding-DNA position 1972, C replaced by T.
Protein change: p.Arg658Cys; replaces arginine 658 with cysteine.
Molecular consequence: missense variant.
Genome position (GRCh38, 1-based): chr1:2,306,224, C>T. VCF-style: chr1-2306224-C-T. GRCh37 (hg19) VCF-style: chr1-2237663-C-T.
Other names: short protein forms R658C.
Identifiers: ClinVar variation 2154489 (VCV002154489.4), dbSNP rs1015312915, ClinGen allele CA337959314.

ClinVar aggregate classification (germline): Uncertain significance (1 of 4 stars; one submission).

Conditions:
Shprintzen-Goldberg syndrome (SGS). Also called: Marfanoid disorder with craniosynostosis type 1; Marfanoid craniosynostosis syndrome; Shprintzen-Goldberg marfanoid syndrome; SHPRINTZEN-GOLDBERG CRANIOSYNOSTOSIS SYNDROME; CRANIOSYNOSTOSIS WITH ARACHNODACTYLY AND ABDOMINAL HERNIAS. Identifiers: Orphanet 2462, MedGen C1321551, MONDO:0008426, OMIM 182212.

Allele frequency attached by ClinVar (database versions not stated): gnomAD exomes below 0.00001.
gnomAD v4.1: 3 of 1,560,586 alleles (0.00019%); highest among the groups gnomAD compares: Non-Finnish European, 0.00017%; no homozygotes.

Submission:

Labcorp Genetics (formerly Invitae), Labcorp
Classification: Uncertain significance for Shprintzen-Goldberg syndrome. Last evaluated: 2022-07-11. Review status: criteria provided, single submitter. Criteria: Invitae Variant Classification Sherloc (09022015). Collection method: clinical testing. Allele origin: germline.
Comment: In summary, the available evidence is currently insufficient to determine the role of this variant in disease. Therefore, it has been classified as a Variant of Uncertain Significance. Algorithms developed to predict the effect of missense changes on protein structure and function are either unavailable or do not agree on the potential impact of this missense change (SIFT: "Deleterious"; PolyPhen-2: "Possibly Damaging"; Align-GVGD: "Class C0"). This variant has not been reported in the literature in individuals affected with SKI-related conditions. This variant is not present in population databases (gnomAD no frequency). This sequence change replaces arginine, which is basic and polar, with cysteine, which is neutral and slightly polar, at codon 658 of the SKI protein (p.Arg658Cys).